The following is an entry in ClinVar:

ClinVar aggregate classification (germline): Uncertain significance (1 of 4 stars; one submission).

Submission:

Greenwood Genetic Center Diagnostic Laboratories, Greenwood Genetic Center
Classification: Uncertain significance. Last evaluated: 2023-10-16. Review status: criteria provided, single submitter. Criteria: ACMG Guidelines, 2015. Collection method: clinical testing. Allele origin: germline. Affected: yes.
Comment: PM6

NM_000875.5(IGF1R):c.1690C>T (p.Pro564Ser)

Gene: IGF1R (insulin like growth factor 1 receptor; plus strand). Cytogenetic location: 15q26.3.
Variant type: single nucleotide variant.
Coding change: c.1690C>T on transcript NM_000875.5 (MANE Select); coding-DNA position 1690, C replaced by T.
Protein change: p.Pro564Ser; replaces proline 564 with serine.
Molecular consequence: missense variant.
Genome position (GRCh38, 1-based): chr15:98,913,144, C>T. VCF-style: chr15-98913144-C-T. GRCh37 (hg19) VCF-style: chr15-99456373-C-T.
Other names: c.1690C>T, p.Pro564Ser (NM_001291858.2); short protein forms P564S.
Identifiers: ClinVar variation 2692551 (VCV002692551.1), dbSNP rs2151677060, ClinGen allele CA393679006.